The following is an entry in ClinVar:

NM_187841.3(TRIM54):c.159C>T (p.Asp53=)

Gene: TRIM54 (tripartite motif containing 54; plus strand). Cytogenetic location: 2p23.3.
Variant type: single nucleotide variant.
Coding change: c.159C>T on transcript NM_187841.3 (MANE Select); coding-DNA position 159, C replaced by T.
Protein change: p.Asp53=; no amino-acid change (aspartic acid 53 retained).
Molecular consequence: synonymous variant.
Genome position (GRCh38, 1-based): chr2:27,282,890, C>T. VCF-style: chr2-27282890-C-T. GRCh37 (hg19) VCF-style: chr2-27505758-C-T.
Other names: c.159C>T, p.Asp53= (NM_032546.4).
Identifiers: ClinVar variation 3055449 (VCV003055449.2), dbSNP rs33994928, ClinGen allele CA1574987.

ClinVar aggregate classification (germline): Benign (0 of 4 stars; one submission).

Conditions:
TRIM54-related disorder. Also called: TRIM54-related condition.

Allele frequency attached by ClinVar (database versions not stated): 1000 Genomes Project 0.01637; 1000 Genomes Project 30x 0.01702; TOPMed 0.04215; ExAC 0.04501; gnomAD 0.04537; ESP Exome Variant Server 0.04982; gnomAD exomes 0.05758.
gnomAD v4.1: 90,624 of 1,611,688 alleles (5.6%); highest among the groups gnomAD compares: Non-Finnish European, 6.5%; 3,006 homozygotes.

Submission:

PreventionGenetics, part of Exact Sciences
Classification: Benign for TRIM54-related condition. Last evaluated: 2019-02-22. Review status: no assertion criteria provided. Collection method: clinical testing. Allele origin: germline.
Comment: This variant is classified as benign based on ACMG/AMP sequence variant interpretation guidelines (Richards et al. 2015 PMID: 25741868, with internal and published modifications).